The following is an entry in ClinVar:

ClinVar aggregate classification (germline): Uncertain significance (1 of 4 stars; one submission).

Submission:

GeneDx
Classification: Uncertain significance. Last evaluated: 2026-03-18. Review status: criteria provided, single submitter. Criteria: GeneDx Variant Classification Process June 2021. Collection method: clinical testing. Allele origin: germline.
Comment: Not observed at significant frequency in large population cohorts (gnomAD); In silico analysis suggests that this missense variant does not alter protein structure/function; Has not been previously published as pathogenic or benign to our knowledge

NM_024496.4(IRF2BPL):c.1321A>G (p.Met441Val)

Gene: IRF2BPL (interferon regulatory factor 2 binding protein like; minus strand). Cytogenetic location: 14q24.3.
Variant type: single nucleotide variant.
Coding change: c.1321A>G on transcript NM_024496.4 (MANE Select); coding-DNA position 1321, A replaced by G.
Protein change: p.Met441Val; replaces methionine 441 with valine.
Molecular consequence: missense variant.
Genome position (GRCh38, 1-based): chr14:77,026,472, T>C on the plus strand (A>G on the coding strand, the complement: IRF2BPL is on the minus strand). VCF-style: chr14-77026472-T-C. GRCh37 (hg19) VCF-style: chr14-77492815-T-C.
Other names: short protein forms M441V.
Identifiers: ClinVar variation 5009466 (VCV005009466.1).